The following is an entry in ClinVar:

NM_001365951.3(KIF1B):c.2036A>T (p.Glu679Val)

Gene: KIF1B (kinesin family member 1B; plus strand). Cytogenetic location: 1p36.22.
Variant type: single nucleotide variant.
Coding change: c.2036A>T on transcript NM_001365951.3 (MANE Select); coding-DNA position 2036, A replaced by T.
Protein change: p.Glu679Val; replaces glutamic acid 679 with valine.
Molecular consequence: missense variant.
Genome position (GRCh38, 1-based): chr1:10,297,071, A>T. VCF-style: chr1-10297071-A-T. GRCh37 (hg19) VCF-style: chr1-10357129-A-T.
Other names: c.2036A>T, p.Glu679Val (NM_001365952.1); c.1898A>T, p.Glu633Val (NM_001365953.1, NM_015074.3, NM_183416.4); short protein forms E633V, E679V.
Identifiers: ClinVar variation 1782201 (VCV001782201.3), dbSNP rs2521403204, ClinGen allele CA338317568.
Genomic context (GRCh38, chr1:10,297,071, plus strand): 5'-GGACATTTGCCCAGAGGGAGCTTCTGGAAAAACAAGGAATTGATATGAAACAAGAGATGG[A>T]GAAAAGGTAATGCACAGTTACGCAGCCCATATGACTGTTTCTTCTTTTAAACATGTAATA-3'
Protein context (NP_001352880.1, residues 669-689): KQGIDMKQEM[Glu679Val]KRLQEMEILY

ClinVar aggregate classification (germline): Uncertain significance (1 of 4 stars; one submission).

Submission:

Ambry Genetics
Classification: Uncertain significance. Last evaluated: 2025-08-08. Review status: criteria provided, single submitter. Criteria: Ambry Variant Classification Scheme 2023. Collection method: clinical testing. Allele origin: germline.
Comment: The p.E633V variant (also known as c.1898A>T), located in coding exon 18 of the KIF1B gene, results from an A to T substitution at nucleotide position 1898. The glutamic acid at codon 633 is replaced by valine, an amino acid with dissimilar properties. This amino acid position is conserved. In addition, this alteration is predicted to be deleterious by in silico analysis. Since supporting evidence is limited at this time, the clinical significance of this alteration remains unclear.